The following is an entry in ClinVar:

ClinVar aggregate classification (germline): Likely pathogenic (1 of 4 stars; one submission).

Conditions:
Autosomal recessive nonsyndromic hearing loss 77. Identifiers: Orphanet 90636, MedGen C2746083, MONDO:0013119, OMIM 613079.

Submission:

Myriad Genetics, Inc.
Classification: Likely pathogenic for Autosomal recessive nonsyndromic hearing loss 77. Last evaluated: 2022-01-25. Review status: criteria provided, single submitter. Criteria: Myriad Women's Health Autosomal Recessive and X-Linked Classification Criteria (2021). Collection method: clinical testing. Allele origin: unknown.
Comment: NM_144612.6(LOXHD1):c.5197_5198ins7(D1733Afs*10) is expected to be pathogenic in the context of LOXHD1-related DFNB77 hearing loss and deafness. This variant is predicted to lead to an abnormal or absent protein product due to the creation of a premature termination codon in LOXHD1, a gene where loss-of-function variants are known to be pathogenic. Please note: this variant was assessed in the context of healthy population screening.

NM_001384474.1(LOXHD1):c.5383_5384insCACACAC (p.Asp1795fs)

Gene: LOXHD1 (lipoxygenase homology PLAT domains 1; minus strand). Cytogenetic location: 18q21.1.
Variant type: Insertion.
Coding change: c.5383_5384insCACACAC on transcript NM_001384474.1 (MANE Select); coding-DNA positions 5383 to 5384, CACACAC inserted.
Protein change: p.Asp1795fs; shifts the reading frame from aspartic acid 1795.
Molecular consequence: frameshift variant.
Genome position: GRCh38 VCF-style: chr18-46518144-T-TGTGTGTG. GRCh37 (hg19) VCF-style: chr18-44098107-T-TGTGTGTG.
Other names: c.2050_2051insCACACAC, p.Asp684fs (NM_001145472.3); c.100_101insCACACAC, p.Asp34fs (NM_001145473.3, NM_001173129.2); c.1762_1763insCACACAC, p.Asp588fs (NM_001308013.2); c.5197_5198insCACACAC, p.Asp1733fs (NM_144612.7); short protein forms D1733fs, D1795fs, D34fs, D588fs, D684fs.
Identifiers: ClinVar variation 1724082 (VCV001724082.2), dbSNP rs2511568423, ClinGen allele CA2580095735.